The following is an entry in ClinVar:

NM_001429.4(EP300):c.1302C>T (p.Pro434=)

Gene: EP300 (EP300 lysine acetyltransferase; plus strand). Cytogenetic location: 22q13.2.
Variant type: single nucleotide variant.
Coding change: c.1302C>T on transcript NM_001429.4 (MANE Select); coding-DNA position 1302, C replaced by T.
Protein change: p.Pro434=; no amino-acid change (proline 434 retained).
Molecular consequence: synonymous variant.
Genome position (GRCh38, 1-based): chr22:41,131,407, C>T. VCF-style: chr22-41131407-C-T. GRCh37 (hg19) VCF-style: chr22-41527411-C-T.
Other names: c.1302C>T, p.Pro434= (NM_001362843.2).
Identifiers: ClinVar variation 1800494 (VCV001800494.5), dbSNP rs199901345, ClinGen allele CA10252486.

ClinVar aggregate classification (germline): Benign/Likely benign. Review status: criteria provided, multiple submitters, no conflicts (2 of 4 stars). 3 submissions from 3 submitters: Benign (1); Likely benign (1). 1 of the submissions does not count toward it. Last evaluated 2025-11-25.

Conditions:
EP300-related disorder. Also called: EP300-related condition; EP300-related disorders.
Rubinstein-Taybi syndrome due to EP300 haploinsufficiency. Also called: EP300-Related Rubinstein-Taybi Syndrome; RUBINSTEIN-TAYBI SYNDROME 2. Identifiers: Orphanet 353284, Orphanet 783, MedGen C3150941, MONDO:0013364, OMIM 613684.

Allele frequency attached by ClinVar (database versions not stated): gnomAD 0.00003 and 0.00005; TOPMed 0.00005 and 0.00007; gnomAD exomes 0.00006 and 0.00009; ExAC 0.00007; ESP Exome Variant Server 0.00008.
gnomAD v4.1: 132 of 1,613,870 alleles (0.0082%); highest among the groups gnomAD compares: Middle Eastern, 0.017%; no homozygotes.

Submissions (3):

Labcorp Genetics (formerly Invitae), Labcorp
Classification: Benign for Rubinstein-Taybi syndrome due to EP300 haploinsufficiency. Last evaluated: 2025-11-25. Review status: criteria provided, single submitter. Criteria: Invitae Variant Classification Sherloc (09022015). Collection method: clinical testing. Allele origin: germline.

GeneDx
Classification: Likely benign. Last evaluated: 2019-03-29. Review status: criteria provided, single submitter. Criteria: GeneDx Variant Classification Process June 2021. Collection method: clinical testing. Allele origin: germline. Affected: yes.
Comment: See Variant Classification Assertion Criteria.

PreventionGenetics, part of Exact Sciences
Classification: Likely benign for EP300-related condition. Last evaluated: 2023-05-18. Review status: no assertion criteria provided. Collection method: clinical testing. Allele origin: germline. Not counted in ClinVar's aggregate classification.
Comment: This variant is classified as likely benign based on ACMG/AMP sequence variant interpretation guidelines (Richards et al. 2015 PMID: 25741868, with internal and published modifications).